The following is an entry in ClinVar:

ClinVar aggregate classification (germline): Uncertain significance (1 of 4 stars; one submission).

Conditions:
Hereditary nonpolyposis colorectal neoplasms. Identifiers: MedGen C0009405, MeSH D003123.

Submission:

Labcorp Genetics (formerly Invitae), Labcorp
Classification: Uncertain significance for Hereditary nonpolyposis colorectal neoplasms. Last evaluated: 2024-04-16. Review status: criteria provided, single submitter. Criteria: Invitae Variant Classification Sherloc (09022015). Collection method: clinical testing. Allele origin: germline.
Comment: This sequence change replaces aspartic acid, which is acidic and polar, with histidine, which is basic and polar, at codon 629 of the MSH6 protein (p.Asp629His). This variant is not present in population databases (gnomAD no frequency). This variant has not been reported in the literature in individuals affected with MSH6-related conditions. ClinVar contains an entry for this variant (Variation ID: 1374614). Advanced modeling of protein sequence and biophysical properties (such as structural, functional, and spatial information, amino acid conservation, physicochemical variation, residue mobility, and thermodynamic stability) performed at Invitae indicates that this missense variant is not expected to disrupt MSH6 protein function with a negative predictive value of 95%. In summary, the available evidence is currently insufficient to determine the role of this variant in disease. Therefore, it has been classified as a Variant of Uncertain Significance.

NM_000179.3(MSH6):c.1885G>C (p.Asp629His)

Gene: MSH6 (mutS homolog 6; plus strand). Cytogenetic location: 2p16.3.
Variant type: single nucleotide variant.
Coding change: c.1885G>C on transcript NM_000179.3 (MANE Select); coding-DNA position 1885, G replaced by C.
Protein change: p.Asp629His; replaces aspartic acid 629 with histidine.
Molecular consequence: missense variant.
Genome position (GRCh38, 1-based): chr2:47,799,868, G>C. VCF-style: chr2-47799868-G-C. GRCh37 (hg19) VCF-style: chr2-48027007-G-C.
Other names: c.1495G>C, p.Asp499His (NM_001281492.2); c.979G>C, p.Asp327His (NM_001281493.2, NM_001281494.2); short protein forms D629H, D327H, D499H.
Identifiers: ClinVar variation 1374614 (VCV001374614.6), dbSNP rs1064795030, ClinGen allele CA346749993.